The following is an entry in ClinVar:

ClinVar aggregate classification (germline): Benign/Likely benign. Review status: criteria provided, multiple submitters, no conflicts (2 of 4 stars). 3 submissions from 3 submitters: Benign (1); Likely benign (2). Last evaluated 2025-05-19.

Conditions:
Hereditary cancer-predisposing syndrome. Also called: Hereditary neoplastic syndrome; Tumor predisposition; Neoplastic Syndromes, Hereditary; Hereditary Cancer Syndrome. Identifiers: Orphanet 140162, MedGen C0027672, MeSH D009386, MONDO:0015356.
Tuberous sclerosis 2 (TSC2). Identifiers: Orphanet 805, MedGen C1860707, MONDO:0013199, OMIM 613254.

Allele frequency attached by ClinVar (database versions not stated): gnomAD exomes below 0.00001.
gnomAD v4.1: 2 of 1,584,238 alleles (0.00013%); highest among the groups gnomAD compares: Non-Finnish European, 0.000086%; no homozygotes.

Submissions (3):

Myriad Genetics, Inc.
Classification: Benign for Tuberous sclerosis 2. Last evaluated: 2025-05-19. Review status: criteria provided, single submitter. Criteria: Myriad Autosomal Dominant, Autosomal Recessive and X-Linked Classification Criteria (2023). Collection method: clinical testing. Allele origin: unknown.
Comment: This variant is considered benign. This variant is a silent/synonymous amino acid change and it is not expected to impact splicing.

Ambry Genetics
Classification: Likely benign for Hereditary cancer-predisposing syndrome. Last evaluated: 2023-10-26. Review status: criteria provided, single submitter. Criteria: Ambry Variant Classification Scheme 2023. Collection method: clinical testing. Allele origin: germline.

Labcorp Genetics (formerly Invitae), Labcorp
Classification: Likely benign for Tuberous sclerosis 2. Last evaluated: 2022-11-04. Review status: criteria provided, single submitter. Criteria: Invitae Variant Classification Sherloc (09022015). Collection method: clinical testing. Allele origin: germline.

NM_000548.5(TSC2):c.2088C>T (p.Cys696=)

Gene: TSC2 (TSC complex subunit 2; plus strand). Cytogenetic location: 16p13.3.
Variant type: single nucleotide variant.
Coding change: c.2088C>T on transcript NM_000548.5 (MANE Select); coding-DNA position 2088, C replaced by T.
Protein change: p.Cys696=; no amino-acid change (cysteine 696 retained).
Molecular consequence: synonymous variant. On other transcripts: non-coding transcript variant (5).
Genome position (GRCh38, 1-based): chr16:2,071,925, C>T. VCF-style: chr16-2071925-C-T. GRCh37 (hg19) VCF-style: chr16-2121926-C-T.
Other names: c.2088C>T, p.Cys696= (NM_001077183.3, NM_001114382.3, NM_001363528.2 and 6 more transcripts); c.1977C>T, p.Cys659= (NM_001318827.2, NM_001406670.1, NM_001406678.1); c.1941C>T, p.Cys647= (NM_001318829.2, NM_001406675.1, NM_001406676.1 and 1 more transcripts); c.1488C>T, p.Cys496= (NM_001318831.2, NM_001406680.1, NM_001406682.1 and 6 more transcripts); c.2121C>T, p.Cys707= (NM_001318832.2); c.2178C>T, p.Cys726= (NM_001406667.1, NM_001406668.1); c.2076C>T, p.Cys692= (NM_001406671.1, NM_001406673.1); c.2031C>T, p.Cys677= (NM_001406677.1); and 3 more.
Identifiers: ClinVar variation 2414628 (VCV002414628.9), dbSNP rs137854217, ClinGen allele CA493042641.